The following is an entry in ClinVar:

NM_001290060.2(SEMA3B):c.922+9G>A

Gene: SEMA3B (semaphorin 3B; plus strand). Cytogenetic location: 3p21.31.
Variant type: single nucleotide variant.
Coding change: c.922+9G>A on transcript NM_001290060.2 (MANE Select); 9 bases into the intron after coding-DNA position 922, G replaced by A.
Molecular consequence: intron variant.
Genome position (GRCh38, 1-based): chr3:50,273,655, G>A. VCF-style: chr3-50273655-G-A. GRCh37 (hg19) VCF-style: chr3-50311086-G-A.
Other names: c.922+9G>A (NM_001435958.1, NM_001435956.1, NM_001435957.1 and 3 more transcripts); c.-105+9G>A (NM_001290062.2); c.-108+9G>A (NM_001290063.2).
Identifiers: ClinVar variation 5000474 (VCV005000474.1).

ClinVar aggregate classification (germline): Uncertain significance (1 of 4 stars; one submission).

Conditions:
SEMA3B-related disorder. Also called: SEMA3B-related condition.

Submission:

PreventionGenetics, part of Exact Sciences
Classification: Uncertain significance for SEMA3B-related condition. Last evaluated: 2024-11-10. Review status: criteria provided, single submitter. Criteria: ACMG Guidelines, 2015. Collection method: clinical testing. Allele origin: germline.
Comment: The SEMA3B c.922+9G>A variant is predicted to interfere with splicing. This variant may alter splicing based on available splicing prediction programs (Alamut Visual v1.6.1). However, the use of computer prediction programs is not equivalent to functional evidence. To our knowledge, this variant has not been reported in the literature. This variant is not reported in gnomAD v2 (as displayed in the table above). It is reported in gnomAD v4 (available only on GRCh38), this variant is reported in 0.0003% out of ~1,608,752 alleles. At this time, the clinical significance of this variant is uncertain due to the absence of conclusive functional and genetic evidence.